The following is an entry in ClinVar:

ClinVar aggregate classification (germline): Likely pathogenic (1 of 4 stars; one submission).

Submission:

Dasa
Classification: Likely pathogenic. Last evaluated: 2024-06-04. Review status: criteria provided, single submitter. Criteria: DASA Assertion Criteria. Collection method: clinical testing. Allele origin: germline.
Comment: NM_001466.4(FZD2):c.270del (p.Phe91Serfs*35) is a frameshift variant in FZD2 predicted to alter the reading frame and introduce a premature termination codon and is predicted to result in an absent or altered protein product. Loss of function is an established disease mechanism for FZD2-associated disorders. Also, this variant is rare in population databases. Based on the currently available evidence, this variant is classified as likely pathogenic.

NM_001466.4(FZD2):c.270del (p.Phe91fs)

Gene: FZD2 (frizzled class receptor 2; plus strand). Cytogenetic location: 17q21.31.
Variant type: Deletion.
Coding change: c.270del on transcript NM_001466.4 (MANE Select); coding-DNA position 270, one base deleted (C; older notation c.270delC).
Protein change: p.Phe91fs; shifts the reading frame from phenylalanine 91.
Molecular consequence: frameshift variant.
Genome position (GRCh38, 1-based): chr17:44,557,958, C deleted. VCF-style (leftmost placement, unchanged base first): chr17-44557957-TC-T. GRCh37 (hg19) VCF-style: chr17-42635325-TC-T.
Other names: short protein forms F91fs.
Identifiers: ClinVar variation 4886506 (VCV004886506.2).